The following is an entry in ClinVar:

NM_005585.5(SMAD6):c.326A>G (p.Glu109Gly)

Gene: SMAD6 (SMAD family member 6; plus strand). Cytogenetic location: 15q22.31.
Variant type: single nucleotide variant.
Coding change: c.326A>G on transcript NM_005585.5 (MANE Select); coding-DNA position 326, A replaced by G.
Protein change: p.Glu109Gly; replaces glutamic acid 109 with glycine.
Molecular consequence: missense variant. On other transcripts: non-coding transcript variant (1).
Genome position (GRCh38, 1-based): chr15:66,703,584, A>G. VCF-style: chr15-66703584-A-G. GRCh37 (hg19) VCF-style: chr15-66995922-A-G.
Other names: short protein forms E109G.
Identifiers: ClinVar variation 3798833 (VCV003798833.1).

ClinVar aggregate classification (germline): Uncertain significance (1 of 4 stars; one submission).

Conditions:
Inborn genetic diseases. Identifiers: MedGen C0950123, MeSH D030342.

Submission:

Ambry Genetics
Classification: Uncertain significance for Inborn genetic diseases. Last evaluated: 2025-03-09. Review status: criteria provided, single submitter. Criteria: Ambry Variant Classification Scheme 2023. Collection method: clinical testing. Allele origin: germline.
Comment: The p.E109G variant (also known as c.326A>G), located in coding exon 1 of the SMAD6 gene, results from an A to G substitution at nucleotide position 326. The glutamic acid at codon 109 is replaced by glycine, an amino acid with similar properties. This amino acid position is conserved. In addition, this alteration is predicted to be tolerated by in silico analysis. Based on the available evidence, the clinical significance of this variant remains unclear.